The following is an entry in ClinVar:

NM_000256.3(MYBPC3):c.749C>T (p.Ser250Phe)

Gene: MYBPC3 (myosin binding protein C3; minus strand). Cytogenetic location: 11p11.2.
Variant type: single nucleotide variant.
Coding change: c.749C>T on transcript NM_000256.3 (MANE Select); coding-DNA position 749, C replaced by T.
Protein change: p.Ser250Phe; replaces serine 250 with phenylalanine.
Molecular consequence: missense variant.
Genome position (GRCh38, 1-based): chr11:47,348,447, G>A on the plus strand (C>T on the coding strand, the complement: MYBPC3 is on the minus strand). VCF-style: chr11-47348447-G-A. GRCh37 (hg19) VCF-style: chr11-47369998-G-A.
Other names: short protein forms S250F.
Identifiers: ClinVar variation 4756880 (VCV004756880.1).

ClinVar aggregate classification (germline): Uncertain significance (1 of 4 stars; one submission).

Conditions:
Cardiomyopathy (CMYO). Also called: Cardiomyopathies. Identifiers: Orphanet 167848, MedGen C0878544, MONDO:0004994, HP:0001638. Inheritance: Various modes of inheritance.

Submission:

Color Diagnostics, LLC DBA Color Health
Classification: Uncertain significance for Cardiomyopathy. Last evaluated: 2025-06-23. Review status: criteria provided, single submitter. Criteria: ACMG Guidelines, 2015. Collection method: clinical testing. Allele origin: germline.
Comment: This missense variant replaces serine with phenylalanine at codon 250 of the MYBPC3 protein. Computational prediction suggests that this variant may not impact protein structure and function. To our knowledge, functional studies have not been reported for this variant. This variant has not been reported in individuals affected with MYBPC3-related disorders in the literature. This variant has not been identified in the general population by the Genome Aggregation Database (gnomAD). The available evidence is insufficient to determine the role of this variant in disease conclusively. Therefore, this variant is classified as a Variant of Uncertain Significance.